The following is an entry in ClinVar:

ClinVar aggregate classification (germline): Uncertain significance (1 of 4 stars; one submission).

gnomAD v4.1: 17 of 1,613,718 alleles (0.0011%); highest among the groups gnomAD compares: Non-Finnish European, 0.0014%; no homozygotes.

Submission:

CeGaT Center for Human Genetics Tuebingen
Classification: Uncertain significance. Last evaluated: 2026-09-01. Review status: criteria provided, single submitter. Criteria: CeGaT Center For Human Genetics Tuebingen Variant Classification Criteria Version 2. Collection method: clinical testing. Allele origin: germline. Affected: yes. Observed: 1 variant allele.
Comment: TTN: PM2, BP4

NM_001267550.2(TTN):c.24376A>G (p.Ile8126Val)

Gene: TTN (titin; minus strand). Cytogenetic location: 2q31.2.
Variant type: single nucleotide variant.
Coding change: c.24376A>G on transcript NM_001267550.2 (MANE Select); coding-DNA position 24376, A replaced by G.
Protein change: p.Ile8126Val; replaces isoleucine 8126 with valine.
Molecular consequence: missense variant. On other transcripts: intron variant (3).
Genome position (GRCh38, 1-based): chr2:178,718,824, T>C on the plus strand (A>G on the coding strand, the complement: TTN is on the minus strand). VCF-style: chr2-178718824-T-C. GRCh37 (hg19) VCF-style: chr2-179583551-T-C.
Other names: c.23425A>G, p.Ile7809Val (NM_001256850.1); c.20644A>G, p.Ile6882Val (NM_133378.4); c.13282+19258A>G (NM_003319.4); c.13858+19258A>G (NM_133437.4); c.13657+19258A>G (NM_133432.3); short protein forms I6882V, I7809V, I8126V.
Identifiers: ClinVar variation 5041506 (VCV005041506.1).